The following is an entry in ClinVar:

NM_001323289.2(CDKL5):c.1027A>G (p.Ser343Gly)

Gene: CDKL5 (cyclin dependent kinase like 5; plus strand). Cytogenetic location: Xp22.13.
Variant type: single nucleotide variant.
Coding change: c.1027A>G on transcript NM_001323289.2 (MANE Select); coding-DNA position 1027, A replaced by G.
Protein change: p.Ser343Gly; replaces serine 343 with glycine.
Molecular consequence: missense variant.
Genome position (GRCh38, 1-based): chrX:18,603,951, A>G. VCF-style: chrX-18603951-A-G. GRCh37 (hg19) VCF-style: chrX-18622071-A-G.
Other names: c.1027A>G, p.Ser343Gly (NM_001037343.2, NM_003159.3); short protein forms S343G.
Identifiers: ClinVar variation 1043238 (VCV001043238.9), dbSNP rs371313385, ClinGen allele CA10360339.

ClinVar aggregate classification (germline): Uncertain significance (1 of 4 stars; one submission).

Conditions:
Angelman syndrome-like. Identifiers: MedGen CN128785.
Developmental and epileptic encephalopathy, 2 (DEE2). Also called: INFANTILE SPASM SYNDROME, X-LINKED 2; CDKL5 deficiency disorder. Identifiers: Orphanet 1934, Orphanet 3451, Orphanet 505652, MedGen C4750718, MONDO:0010396, OMIM 300672.

Allele frequency attached by ClinVar (database versions not stated): gnomAD exomes below 0.00001 and 0.00001; ExAC 0.00001; TOPMed 0.00001; gnomAD 0.00003; ESP Exome Variant Server 0.00009.
gnomAD v4.1: 5 of 1,208,680 alleles (0.00041%); highest among the groups gnomAD compares: African/African-American, 0.0018%; no homozygotes.

Submission:

Labcorp Genetics (formerly Invitae), Labcorp
Classification: Uncertain significance for Developmental and epileptic encephalopathy, 2; Angelman syndrome-like. Last evaluated: 2023-10-14. Review status: criteria provided, single submitter. Criteria: Invitae Variant Classification Sherloc (09022015). Collection method: clinical testing. Allele origin: germline.
Comment: This sequence change replaces serine, which is neutral and polar, with glycine, which is neutral and non-polar, at codon 343 of the CDKL5 protein (p.Ser343Gly). This variant is present in population databases (rs371313385, gnomAD 0.001%). This variant has not been reported in the literature in individuals affected with CDKL5-related conditions. ClinVar contains an entry for this variant (Variation ID: 1043238). Advanced modeling of protein sequence and biophysical properties (such as structural, functional, and spatial information, amino acid conservation, physicochemical variation, residue mobility, and thermodynamic stability) has been performed at Invitae for this missense variant, however the output from this modeling did not meet the statistical confidence thresholds required to predict the impact of this variant on CDKL5 protein function. In summary, the available evidence is currently insufficient to determine the role of this variant in disease. Therefore, it has been classified as a Variant of Uncertain Significance.